The following is an entry in ClinVar:

NM_182760.4(SUMF1):c.1070C>A (p.Ser357Tyr)

Gene: SUMF1 (sulfatase modifying factor 1; minus strand). Cytogenetic location: 3p26.1.
Variant type: single nucleotide variant.
Coding change: c.1070C>A on transcript NM_182760.4 (MANE Select); coding-DNA position 1070, C replaced by A.
Protein change: p.Ser357Tyr; replaces serine 357 with tyrosine.
Molecular consequence: missense variant.
Genome position (GRCh38, 1-based): chr3:4,362,199, G>T on the plus strand (C>A on the coding strand, the complement: SUMF1 is on the minus strand). VCF-style: chr3-4362199-G-T. GRCh37 (hg19) VCF-style: chr3-4403883-G-T.
Other names: c.995C>A, p.Ser332Tyr (NM_001164674.2); c.1010C>A, p.Ser337Tyr (NM_001164675.2); short protein forms S337Y, S357Y, S332Y.
Identifiers: ClinVar variation 1421955 (VCV001421955.3), dbSNP rs1489482200, ClinGen allele CA351626395.

ClinVar aggregate classification (germline): Uncertain significance (1 of 4 stars; one submission).

Conditions:
Multiple sulfatase deficiency (MSD). Also called: Mucosulfatidosis; Multiple Sulfatase Deficiency Disease; Sulfatidosis, Juvenile, Austin Type. Identifiers: Orphanet 585, MedGen C0268263, MONDO:0010088, OMIM 272200.

Allele frequency attached by ClinVar (database versions not stated): gnomAD exomes below 0.00001.
gnomAD v4.1: 3 of 1,614,220 alleles (0.00019%); highest among the groups gnomAD compares: African/African-American, 0.0013%; no homozygotes.

Submission:

Labcorp Genetics (formerly Invitae), Labcorp
Classification: Uncertain significance for Multiple sulfatase deficiency. Last evaluated: 2021-12-14. Review status: criteria provided, single submitter. Criteria: Invitae Variant Classification Sherloc (09022015). Collection method: clinical testing. Allele origin: germline.
Comment: This sequence change replaces serine, which is neutral and polar, with tyrosine, which is neutral and polar, at codon 357 of the SUMF1 protein (p.Ser357Tyr). This variant is not present in population databases (gnomAD no frequency). This variant has not been reported in the literature in individuals affected with SUMF1-related conditions. Algorithms developed to predict the effect of missense changes on protein structure and function are either unavailable or do not agree on the potential impact of this missense change (SIFT: "Deleterious"; PolyPhen-2: "Probably Damaging"; Align-GVGD: "Class C15"). In summary, the available evidence is currently insufficient to determine the role of this variant in disease. Therefore, it has been classified as a Variant of Uncertain Significance.